The following is an entry in ClinVar:

NM_003073.5(SMARCB1):c.832C>T (p.Gln278Ter)

Gene: SMARCB1 (SWI/SNF related BAF chromatin remodeling complex subunit B1; plus strand). Cytogenetic location: 22q11.23.
Variant type: single nucleotide variant.
Coding change: c.832C>T on transcript NM_003073.5 (MANE Select); coding-DNA position 832, C replaced by T.
Protein change: p.Gln278Ter; replaces glutamine 278 with a stop codon.
Molecular consequence: nonsense.
Genome position (GRCh38, 1-based): chr22:23,825,261, C>T. VCF-style: chr22-23825261-C-T. GRCh37 (hg19) VCF-style: chr22-24167448-C-T.
Other names: c.805C>T, p.Gln269Ter (NM_001007468.3); c.859C>T, p.Gln287Ter (NM_001317946.2); c.886C>T, p.Gln296Ter (NM_001362877.2); short protein forms Q287*, Q278*, Q269*, Q296*.
Identifiers: ClinVar variation 3723909 (VCV003723909.2).

ClinVar aggregate classification (germline): Pathogenic (1 of 4 stars; one submission).

Submission:

Labcorp Genetics (formerly Invitae), Labcorp
Classification: Pathogenic. Last evaluated: 2024-05-10. Review status: criteria provided, single submitter. Criteria: Invitae Variant Classification Sherloc (09022015). Collection method: clinical testing. Allele origin: germline.
Comment: This sequence change creates a premature translational stop signal (p.Gln278*) in the SMARCB1 gene. It is expected to result in an absent or disrupted protein product. Loss-of-function variants in SMARCB1 are known to be pathogenic (PMID: 10521299, 21208904). This variant is not present in population databases (gnomAD no frequency). This premature translational stop signal has been observed in individual(s) with schwannomatosis (PMID: 21255467). For these reasons, this variant has been classified as Pathogenic.

Literature cited by the submitters: PubMed 10521299; PubMed 21208904; PubMed 21255467.